The following is an entry in ClinVar:

ClinVar aggregate classification (germline): Likely benign (0 of 4 stars; one submission).

Conditions:
P4HA1-related disorder. Also called: P4HA1-related condition.

Allele frequency attached by ClinVar (database versions not stated): ExAC 0.00022; ESP Exome Variant Server 0.00050; gnomAD 0.00068; TOPMed 0.00075; 1000 Genomes Project 30x 0.00125; 1000 Genomes Project 0.00140.
gnomAD v4.1: 214 of 1,613,326 alleles (0.013%); highest among the groups gnomAD compares: African/African-American, 0.23%; no homozygotes.

Submission:

PreventionGenetics, part of Exact Sciences
Classification: Likely benign for P4HA1-related condition. Last evaluated: 2023-07-27. Review status: no assertion criteria provided. Collection method: clinical testing. Allele origin: germline.
Comment: This variant is classified as likely benign based on ACMG/AMP sequence variant interpretation guidelines (Richards et al. 2015 PMID: 25741868, with internal and published modifications).

NM_001017962.3(P4HA1):c.1124C>T (p.Thr375Met)

Gene: P4HA1 (prolyl 4-hydroxylase subunit alpha 1; minus strand). Cytogenetic location: 10q22.1.
Variant type: single nucleotide variant.
Coding change: c.1124C>T on transcript NM_001017962.3 (MANE Select); coding-DNA position 1124, C replaced by T.
Protein change: p.Thr375Met; replaces threonine 375 with methionine.
Molecular consequence: missense variant. On other transcripts: intron variant (2).
Genome position (GRCh38, 1-based): chr10:73,045,005, G>A on the plus strand (C>T on the coding strand, the complement: P4HA1 is on the minus strand). VCF-style: chr10-73045005-G-A. GRCh37 (hg19) VCF-style: chr10-74804763-G-A.
Other names: c.1124C>T, p.Thr375Met (NM_001142595.2); c.1078-1048C>T (NM_001142596.2, NM_000917.4); short protein forms T375M.
Identifiers: ClinVar variation 3054413 (VCV003054413.2), dbSNP rs145054165, ClinGen allele CA5551565.